The following is an entry in ClinVar:

NM_002155.5(HSPA6):c.919C>T (p.Leu307=)

Gene: HSPA6 (heat shock protein family A (Hsp70) member 6; plus strand). Cytogenetic location: 1q23.3.
Variant type: single nucleotide variant.
Coding change: c.919C>T on transcript NM_002155.5 (MANE Select); coding-DNA position 919, C replaced by T.
Protein change: p.Leu307=; no amino-acid change (leucine 307 retained).
Molecular consequence: synonymous variant.
Genome position (GRCh38, 1-based): chr1:161,525,577, C>T. VCF-style: chr1-161525577-C-T. GRCh37 (hg19) VCF-style: chr1-161495367-C-T.
Identifiers: ClinVar variation 2639514 (VCV002639514.24), dbSNP rs151297860, ClinGen allele CA1211060.
Genomic context (GRCh38, chr1:161,525,577, plus strand): 5'-GACTCCCTGTTCGAGGGCGTGGACTTCTACACGTCCATCACTCGTGCCCGCTTTGAGGAA[C>T]TGTGCTCAGACCTCTTCCGCAGCACCCTGGAGCCGGTGGAGAAGGCCCTGCGGGATGCCA-3'
Protein context (NP_002146.2, residues 297-317): TSITRARFEE[Leu307=]CSDLFRSTLE

ClinVar aggregate classification (germline): Likely benign (1 of 4 stars; one submission).

Allele frequency attached by ClinVar (database versions not stated): TOPMed 0.00023; gnomAD 0.00030; ExAC 0.00031; gnomAD exomes 0.00041; ESP Exome Variant Server 0.00046.

Submission:

CeGaT Center for Human Genetics Tuebingen
Classification: Likely benign. Last evaluated: 2023-01-01. Review status: criteria provided, single submitter. Criteria: CeGaT Center For Human Genetics Tuebingen Variant Classification Criteria Version 2. Collection method: clinical testing. Allele origin: germline. Affected: yes. Observed: 1 variant allele.
Comment: HSPA6: BP4, BP7